The following is an entry in ClinVar:

ClinVar aggregate classification (germline): Conflicting classifications of pathogenicity. Review status: criteria provided, conflicting classifications (1 of 4 stars). 5 submissions from 4 submitters: Uncertain significance (3); Benign (1). 1 of the submissions does not count toward it. Last evaluated 2025-12-15.

Conditions:
LTBP2-related disorder. Also called: LTBP2-related condition; LTBP2-related disorders.
Inborn genetic diseases. Identifiers: MedGen C0950123, MeSH D030342.
Glaucoma 3, primary congenital, D. Identifiers: Orphanet 98976, MedGen C2751316, MONDO:0013122, OMIM 613086.
Weill-Marchesani syndrome. Also called: WM Syndrome; Mesodermal dysmorphodystrophy congenital. Identifiers: Orphanet 3449, MedGen C0265313, MONDO:0018096.

Allele frequency attached by ClinVar (database versions not stated): gnomAD below 0.00001 and 0.00007; 1000 Genomes Project 30x 0.00094; 1000 Genomes Project 0.00120.
gnomAD v4.1: 301 of 1,613,360 alleles (0.019%); highest among the groups gnomAD compares: South Asian, 0.32%; 4 homozygotes.

Submissions (5):

Labcorp Genetics (formerly Invitae), Labcorp
Classification: Benign. Last evaluated: 2025-12-15. Review status: criteria provided, single submitter. Criteria: Invitae Variant Classification Sherloc (09022015). Collection method: clinical testing. Allele origin: germline.

Ambry Genetics
Classification: Uncertain significance for Inborn genetic diseases. Last evaluated: 2025-05-18. Review status: criteria provided, single submitter. Criteria: Ambry Variant Classification Scheme 2023. Collection method: clinical testing. Allele origin: germline.

Illumina Laboratory Services, Illumina
Classification: Uncertain significance for Glaucoma 3, primary congenital, D. Last evaluated: 2018-01-12. Review status: criteria provided, single submitter. Criteria: ICSL Variant Classification Criteria 13 December 2019. Collection method: clinical testing. Allele origin: germline.

Illumina Laboratory Services, Illumina
Classification: Uncertain significance for Weill-Marchesani syndrome. Last evaluated: 2018-01-12. Review status: criteria provided, single submitter. Criteria: ICSL Variant Classification Criteria 13 December 2019. Collection method: clinical testing. Allele origin: germline.

PreventionGenetics, part of Exact Sciences
Classification: Likely benign for LTBP2-related condition. Last evaluated: 2024-09-03. Review status: no assertion criteria provided. Collection method: clinical testing. Allele origin: germline. Not counted in ClinVar's aggregate classification.
Comment: This variant is classified as likely benign based on ACMG/AMP sequence variant interpretation guidelines (Richards et al. 2015 PMID: 25741868, with internal and published modifications).

NM_000428.3(LTBP2):c.1531C>A (p.Pro511Thr)

Gene: LTBP2 (latent transforming growth factor beta binding protein 2; minus strand). Cytogenetic location: 14q24.3.
Variant type: single nucleotide variant.
Coding change: c.1531C>A on transcript NM_000428.3 (MANE Select); coding-DNA position 1531, C replaced by A.
Protein change: p.Pro511Thr; replaces proline 511 with threonine.
Molecular consequence: missense variant.
Genome position (GRCh38, 1-based): chr14:74,551,219, G>T on the plus strand (C>A on the coding strand, the complement: LTBP2 is on the minus strand). VCF-style: chr14-74551219-G-T. GRCh37 (hg19) VCF-style: chr14-75017922-G-T.
Other names: short protein forms P511T.
Identifiers: ClinVar variation 314309 (VCV000314309.14), dbSNP rs553562104, ClinGen allele CA7269859.